The following is an entry in ClinVar:

ClinVar aggregate classification (germline): Uncertain significance. Review status: criteria provided, multiple submitters, no conflicts (2 of 4 stars). 6 submissions from 6 submitters: Uncertain significance (6). Last evaluated 2026-01-04.

Conditions:
Hereditary cancer-predisposing syndrome. Also called: Neoplastic Syndromes, Hereditary; Tumor predisposition; Hereditary Cancer Syndrome; Hereditary neoplastic syndrome. Identifiers: Orphanet 140162, MedGen C0027672, MeSH D009386, MONDO:0015356.
Familial adenomatous polyposis 1 (FAP1). Also called: FAMILIAL ADENOMATOUS POLYPOSIS 1, ATTENUATED; POLYPOSIS, ADENOMATOUS INTESTINAL. Identifiers: MedGen C2713442, MONDO:0021056, OMIM 175100. Disease mechanism: loss of function.

Submissions (6):

Labcorp Genetics (formerly Invitae), Labcorp
Classification: Uncertain significance for Familial adenomatous polyposis 1. Last evaluated: 2026-01-04. Review status: criteria provided, single submitter. Criteria: Invitae Variant Classification Sherloc (09022015). Collection method: clinical testing. Allele origin: germline.
Comment: This sequence change replaces glutamic acid, which is acidic and polar, with lysine, which is basic and polar, at codon 443 of the APC protein (p.Glu443Lys). This variant is not present in population databases (gnomAD no frequency). This variant has not been reported in the literature in individuals affected with APC-related conditions. ClinVar contains an entry for this variant (Variation ID: 918403). Invitae Evidence Modeling of protein sequence and biophysical properties (such as structural, functional, and spatial information, amino acid conservation, physicochemical variation, residue mobility, and thermodynamic stability) indicates that this missense variant is not expected to disrupt APC protein function with a negative predictive value of 95%. In summary, the available evidence is currently insufficient to determine the role of this variant in disease. Therefore, it has been classified as a Variant of Uncertain Significance.

Women's Health and Genetics/Laboratory Corporation of America, LabCorp
Classification: Uncertain significance. Last evaluated: 2025-05-06. Review status: criteria provided, single submitter. Criteria: LabCorp Variant Classification Summary - May 2015. Collection method: clinical testing. Allele origin: germline.
Comment: Variant summary: APC c.1327G>A (p.Glu443Lys) results in a conservative amino acid change in the encoded protein sequence. Algorithms developed to predict the effect of missense changes on protein structure and function are either unavailable or do not agree on the potential impact of this missense change. The variant was absent in 250644 control chromosomes. The available data on variant occurrences in the general population are insufficient to allow any conclusion about variant significance. To our knowledge, no occurrence of c.1327G>A in individuals affected with Familial Adenomatous Polyposis and no experimental evidence demonstrating its impact on protein function have been reported. ClinVar contains an entry for this variant (Variation ID: 918403). Based on the evidence outlined above, the variant was classified as uncertain significance.

GeneDx
Classification: Uncertain significance. Last evaluated: 2025-03-18. Review status: criteria provided, single submitter. Criteria: GeneDx Variant Classification Process June 2021. Collection method: clinical testing. Allele origin: germline. Affected: yes.
Comment: Not observed at significant frequency in large population cohorts (gnomAD); In silico analysis supports that this missense variant has a deleterious effect on protein structure/function; Has not been previously published as pathogenic or benign to our knowledge

Ambry Genetics
Classification: Uncertain significance for Hereditary cancer-predisposing syndrome. Last evaluated: 2024-05-29. Review status: criteria provided, single submitter. Criteria: Ambry Variant Classification Scheme 2023. Collection method: clinical testing. Allele origin: germline.
Comment: The p.E443K variant (also known as c.1327G>A), located in coding exon 10 of the APC gene, results from a G to A substitution at nucleotide position 1327. The glutamic acid at codon 443 is replaced by lysine, an amino acid with similar properties. This amino acid position is well conserved in available vertebrate species. In addition, in silico predictors for this gene do not accurately predict pathogenicity. Based on the available evidence, the clinical significance of this variant remains unclear.

Baylor Genetics
Classification: Uncertain significance for Familial adenomatous polyposis 1. Last evaluated: 2023-07-27. Review status: criteria provided, single submitter. Criteria: ACMG Guidelines, 2015. Collection method: clinical testing. Allele origin: unknown.

Color Diagnostics, LLC DBA Color Health
Classification: Uncertain significance for Hereditary cancer-predisposing syndrome. Last evaluated: 2019-05-24. Review status: criteria provided, single submitter. Criteria: ACMG Guidelines, 2015. Collection method: clinical testing. Allele origin: germline.

NM_000038.6(APC):c.1327G>A (p.Glu443Lys)

Gene: APC (APC regulator of Wnt signaling pathway; plus strand). Cytogenetic location: 5q22.2.
Variant type: single nucleotide variant.
Coding change: c.1327G>A on transcript NM_000038.6 (MANE Select); coding-DNA position 1327, G replaced by A.
Protein change: p.Glu443Lys; replaces glutamic acid 443 with lysine.
Molecular consequence: missense variant.
Genome position (GRCh38, 1-based): chr5:112,821,910, G>A. VCF-style: chr5-112821910-G-A. GRCh37 (hg19) VCF-style: chr5-112157607-G-A.
Other names: c.1327G>A, p.Glu443Lys (NM_001127510.3, NM_001354895.2, NM_001354896.2); c.1273G>A, p.Glu425Lys (NM_001127511.3); c.1357G>A, p.Glu453Lys (NM_001354897.2); c.1252G>A, p.Glu418Lys (NM_001354898.2); c.1243G>A, p.Glu415Lys (NM_001354899.2); c.1150G>A, p.Glu384Lys (NM_001354900.2, NM_001354901.2); c.1054G>A, p.Glu352Lys (NM_001354902.2); c.1024G>A, p.Glu342Lys (NM_001354903.2); and 3 more; short protein forms E160K, E283K, E384K, E425K, E418K, E453K, E342K, E415K.
Identifiers: ClinVar variation 918403 (VCV000918403.12), dbSNP rs1763168688, ClinGen allele CA16024209.